The following is an entry in ClinVar:

NM_001853.4(COL9A3):c.1312A>G (p.Lys438Glu)

Gene: COL9A3 (collagen type IX alpha 3 chain; plus strand). Cytogenetic location: 20q13.33.
Variant type: single nucleotide variant.
Coding change: c.1312A>G on transcript NM_001853.4 (MANE Select); coding-DNA position 1312, A replaced by G.
Protein change: p.Lys438Glu; replaces lysine 438 with glutamic acid.
Molecular consequence: missense variant.
Genome position (GRCh38, 1-based): chr20:62,832,178, A>G. VCF-style: chr20-62832178-A-G. GRCh37 (hg19) VCF-style: chr20-61463530-A-G.
Other names: short protein forms K438E.
Identifiers: ClinVar variation 1419686 (VCV001419686.6), dbSNP rs2063602180, ClinGen allele CA409596003.

ClinVar aggregate classification (germline): Uncertain significance (1 of 4 stars; one submission).

Allele frequency attached by ClinVar (database versions not stated): gnomAD exomes below 0.00001.
gnomAD v4.1: 3 of 1,612,872 alleles (0.00019%); highest among the groups gnomAD compares: Admixed American, 0.005%; no homozygotes.

Submission:

Labcorp Genetics (formerly Invitae), Labcorp
Classification: Uncertain significance. Last evaluated: 2025-09-10. Review status: criteria provided, single submitter. Criteria: Invitae Variant Classification Sherloc (09022015). Collection method: clinical testing. Allele origin: germline.
Comment: This sequence change replaces lysine, which is basic and polar, with glutamic acid, which is acidic and polar, at codon 438 of the COL9A3 protein (p.Lys438Glu). This variant is not present in population databases (gnomAD no frequency). This variant has not been reported in the literature in individuals affected with COL9A3-related conditions. ClinVar contains an entry for this variant (Variation ID: 1419686). Invitae Evidence Modeling of protein sequence and biophysical properties (such as structural, functional, and spatial information, amino acid conservation, physicochemical variation, residue mobility, and thermodynamic stability) indicates that this missense variant is not expected to disrupt COL9A3 protein function with a negative predictive value of 95%. In summary, the available evidence is currently insufficient to determine the role of this variant in disease. Therefore, it has been classified as a Variant of Uncertain Significance.